The following is an entry in ClinVar:

NM_001358921.2(COQ2):c.762+49A>G

Gene: COQ2 (coenzyme Q2, polyprenyltransferase; minus strand). Cytogenetic location: 4q21.23.
Variant type: single nucleotide variant.
Coding change: c.762+49A>G on transcript NM_001358921.2 (MANE Select); 49 bases into the intron after coding-DNA position 762, A replaced by G.
Molecular consequence: intron variant.
Genome position (GRCh38, 1-based): chr4:83,269,811, T>C on the plus strand (A>G on the coding strand, the complement: COQ2 is on the minus strand). VCF-style: chr4-83269811-T-C. GRCh37 (hg19) VCF-style: chr4-84190964-T-C.
Other names: c.912+49A>G (NM_015697.9).
Identifiers: ClinVar variation 675848 (VCV000675848.2), dbSNP rs77172546, ClinGen allele CA2988508.

ClinVar aggregate classification (germline): Likely benign. Review status: criteria provided, multiple submitters, no conflicts (2 of 4 stars). 2 submissions from 2 submitters: Likely benign (2). Last evaluated 2018-06-14.

Allele frequency attached by ClinVar (database versions not stated): gnomAD exomes 0.00079 and 0.00217; ExAC 0.00299; 1000 Genomes Project 0.00938; gnomAD 0.00992 and 0.01067; 1000 Genomes Project 30x 0.01031; TOPMed 0.01167; ESP Exome Variant Server 0.01172.
gnomAD v4.1: 2,600 of 1,434,914 alleles (0.18%); highest among the groups gnomAD compares: African/African-American, 3.3%; 43 homozygotes.

Submissions (2):

GeneDx
Classification: Likely benign. Last evaluated: 2018-06-14. Review status: criteria provided, single submitter. Criteria: GeneDx Variant Classification (06012015). Collection method: clinical testing. Allele origin: germline. Affected: yes.
Comment: This variant is considered likely benign or benign based on one or more of the following criteria: it is a conservative change, it occurs at a poorly conserved position in the protein, it is predicted to be benign by multiple in silico algorithms, and/or has population frequency not consistent with disease.

Breakthrough Genomics
Classification: Likely benign. Review status: criteria provided, single submitter. Criteria: ACMG Guidelines, 2015. Collection method: not provided. Allele origin: germline. Inheritance: Autosomal recessive inheritance. Affected: yes.